The following is an entry in ClinVar:

NM_001382567.1(STIM1):c.304A>G (p.Thr102Ala)

Gene: STIM1 (stromal interaction molecule 1; plus strand). Cytogenetic location: 11p15.4.
Variant type: single nucleotide variant.
Coding change: c.304A>G on transcript NM_001382567.1 (MANE Select); coding-DNA position 304, A replaced by G.
Protein change: p.Thr102Ala; replaces threonine 102 with alanine.
Molecular consequence: missense variant. On other transcripts: 5 prime UTR variant (3), non-coding transcript variant (3).
Genome position (GRCh38, 1-based): chr11:4,023,906, A>G. VCF-style: chr11-4023906-A-G. GRCh37 (hg19) VCF-style: chr11-4045136-A-G.
Other names: c.304A>G, p.Thr102Ala (NM_001277961.3, NM_001277962.2, NM_001382568.1 and 3 more transcripts); c.82A>G, p.Thr28Ala (NM_001382566.1, NM_001382573.1, NM_001382574.1 and 5 more transcripts); c.169A>G, p.Thr57Ala (NM_001382569.1); c.-65A>G (NM_001382571.1); c.-186A>G (NM_001382580.1, NM_001382581.1); short protein forms T102A, T28A, T57A.
Identifiers: ClinVar variation 848609 (VCV000848609.10), dbSNP rs2093978275, ClinGen allele CA379485229.

ClinVar aggregate classification (germline): Uncertain significance (1 of 4 stars; one submission).

Conditions:
Stormorken syndrome (STRMK). Also called: THROMBOCYTOPATHY, ASPLENIA, AND MIOSIS. Identifiers: Orphanet 3204, MedGen C1861451, MONDO:0008497, OMIM 185070.
Combined immunodeficiency due to STIM1 deficiency. Also called: STIM1 DEFICIENCY; IMMUNODEFICIENCY 10. Identifiers: Orphanet 169090, Orphanet 317430, MedGen C2748557, MONDO:0013008, OMIM 612783.
Myopathy with tubular aggregates (TAM). Also called: Tubular Aggregate Myopathy. Identifiers: Orphanet 2593, MedGen C0410207, MONDO:0008051.

Submission:

Labcorp Genetics (formerly Invitae), Labcorp
Classification: Uncertain significance for Myopathy with tubular aggregates; Combined immunodeficiency due to STIM1 deficiency; Stormorken syndrome. Last evaluated: 2020-02-27. Review status: criteria provided, single submitter. Criteria: Invitae Variant Classification Sherloc (09022015). Collection method: clinical testing. Allele origin: germline.
Comment: Algorithms developed to predict the effect of missense changes on protein structure and function (SIFT, PolyPhen-2, Align-GVGD) all suggest that this variant is likely to be tolerated, but these predictions have not been confirmed by published functional studies and their clinical significance is uncertain. In summary, the available evidence is currently insufficient to determine the role of this variant in disease. Therefore, it has been classified as a Variant of Uncertain Significance. This variant has not been reported in the literature in individuals with STIM1-related conditions. This variant is not present in population databases (ExAC no frequency). This sequence change replaces threonine with alanine at codon 102 of the STIM1 protein (p.Thr102Ala). The threonine residue is moderately conserved and there is a small physicochemical difference between threonine and alanine.